The following is an entry in ClinVar:

NM_001903.5(CTNNA1):c.151_152del (p.Lys51fs)

Gene: CTNNA1 (catenin alpha 1; plus strand). Cytogenetic location: 5q31.2.
Variant type: Deletion.
Coding change: c.151_152del on transcript NM_001903.5 (MANE Select); coding-DNA positions 151 to 152, 2 bases deleted (AA; older notation c.151_152delAA).
Protein change: p.Lys51fs; shifts the reading frame from lysine 51.
Molecular consequence: frameshift variant. On other transcripts: 5 prime UTR variant (1), intron variant (1).
Genome position (GRCh38, 1-based): chr5:138,783,222-138,783,223, AA deleted. VCF-style (leftmost placement, unchanged base first): chr5-138783221-GAA-G. GRCh37 (hg19) VCF-style: chr5-138118910-GAA-G.
Other names: c.151_152del, p.Lys51fs (NM_001290307.3, NM_001323982.2, NM_001323983.1 and 3 more transcripts); c.-56_-55del (NM_001290310.3); c.-9+1193_-9+1194del (NM_001290309.3); short protein forms K51fs.
Identifiers: ClinVar variation 1472837 (VCV001472837.6), dbSNP rs2149656252, ClinGen allele CA2573139209.

ClinVar aggregate classification (germline): Pathogenic. Review status: criteria provided, multiple submitters, no conflicts (2 of 4 stars). 2 submissions from 2 submitters: Pathogenic (2). Last evaluated 2025-10-09.

Conditions:
Hereditary diffuse gastric adenocarcinoma (HDGC). Also called: DIFFUSE GASTRIC AND LOBULAR BREAST CANCER SYNDROME. Identifiers: Orphanet 26106, MedGen C1708349, MONDO:0007648, OMIM 137215.

Submissions (2):

Labcorp Genetics (formerly Invitae), Labcorp
Classification: Pathogenic. Last evaluated: 2025-10-09. Review status: criteria provided, single submitter. Criteria: Invitae Variant Classification Sherloc (09022015). Collection method: clinical testing. Allele origin: germline.
Comment: This sequence change creates a premature translational stop signal (p.Lys51Glufs*5) in the CTNNA1 gene. It is expected to result in an absent or disrupted protein product. Loss-of-function variants in CTNNA1 are known to be pathogenic (PMID: 32051609, 34425242). This variant is not present in population databases (gnomAD no frequency). This variant has not been reported in the literature in individuals affected with CTNNA1-related conditions. ClinVar contains an entry for this variant (Variation ID: 1472837). For these reasons, this variant has been classified as Pathogenic.

Myriad Genetics, Inc.
Classification: Pathogenic for Hereditary diffuse gastric adenocarcinoma. Last evaluated: 2023-07-05. Review status: criteria provided, single submitter. Criteria: Myriad Autosomal Dominant, Autosomal Recessive and X-Linked Classification Criteria (2023). Collection method: clinical testing. Allele origin: unknown.
Comment: This variant is considered pathogenic. This variant creates a frameshift predicted to result in premature protein truncation.

Literature cited by the submitters: PubMed 32051609 (cited by Labcorp Genetics (formerly Invitae), Labcorp); PubMed 34425242 (cited by Labcorp Genetics (formerly Invitae), Labcorp).